The following is an entry in ClinVar:

NM_001367561.1(DOCK7):c.2018C>T (p.Pro673Leu)

Gene: DOCK7 (dedicator of cytokinesis 7; minus strand). Cytogenetic location: 1p31.3.
Variant type: single nucleotide variant.
Coding change: c.2018C>T on transcript NM_001367561.1 (MANE Select); coding-DNA position 2018, C replaced by T.
Protein change: p.Pro673Leu; replaces proline 673 with leucine.
Molecular consequence: missense variant.
Genome position (GRCh38, 1-based): chr1:62,577,356, G>A on the plus strand (C>T on the coding strand, the complement: DOCK7 is on the minus strand). VCF-style: chr1-62577356-G-A. GRCh37 (hg19) VCF-style: chr1-63043027-G-A.
Other names: c.2018C>T, p.Pro673Leu (NM_001271999.2, NM_001272000.2, NM_001272001.2 and 2 more transcripts); short protein forms P673L.
Identifiers: ClinVar variation 4086585 (VCV004086585.1).

ClinVar aggregate classification (germline): Uncertain significance (1 of 4 stars; one submission).

gnomAD v4.1: 1 of 1,562,148 alleles (0.000064%); highest among the groups gnomAD compares: South Asian, 0.0013%; no homozygotes.

Submission:

GeneDx
Classification: Uncertain significance. Last evaluated: 2025-03-18. Review status: criteria provided, single submitter. Criteria: GeneDx Variant Classification Process June 2021. Collection method: clinical testing. Allele origin: germline. Affected: yes.
Comment: Not observed at significant frequency in large population cohorts (gnomAD); In silico analysis supports that this missense variant has a deleterious effect on protein structure/function; Has not been previously published as pathogenic or benign to our knowledge